The following is an entry in ClinVar:

ClinVar aggregate classification (germline): Pathogenic (1 of 4 stars; one submission).

Submission:

Baylor Genetics
Classification: Pathogenic. Last evaluated: 2018-11-01. Review status: criteria provided, single submitter. Criteria: ACMG CNV Guidelines, 2011. Collection method: clinical testing. Allele origin: de novo. Observed: 1 variant allele.

GRCh37/hg19 8p23.3-22(chr8:194617-13947374)

Genes: AGPAT5 (1-acylglycerol-3-phosphate O-acyltransferase 5; plus strand), ANGPT2 (angiopoietin 2; minus strand), ARHGEF10 (Rho guanine nucleotide exchange factor 10; plus strand), BLK (BLK proto-oncogene, Src family tyrosine kinase), C8orf48 (chromosome 8 open reading frame 48; plus strand) and 72 more. Cytogenetic location: 8p23.3-22.
Variant type: copy number gain.
Identifiers: ClinVar variation 625668 (VCV000625668.1).